The following is an entry in ClinVar:

NM_152618.3(BBS12):c.1565G>A (p.Cys522Tyr)

Gene: BBS12 (Bardet-Biedl syndrome 12; plus strand). Cytogenetic location: 4q27.
Variant type: single nucleotide variant.
Coding change: c.1565G>A on transcript NM_152618.3 (MANE Select); coding-DNA position 1565, G replaced by A.
Protein change: p.Cys522Tyr; replaces cysteine 522 with tyrosine.
Molecular consequence: missense variant.
Genome position (GRCh38, 1-based): chr4:122,743,457, G>A. VCF-style: chr4-122743457-G-A. GRCh37 (hg19) VCF-style: chr4-123664612-G-A.
Other names: c.1565G>A, p.Cys522Tyr (NM_001178007.2); short protein forms C522Y.
Identifiers: ClinVar variation 3344641 (VCV003344641.2).

ClinVar aggregate classification (germline): Uncertain significance. Review status: no assertion criteria provided (0 of 4 stars). 2 submissions from 2 submitters: Uncertain significance (2). Last evaluated 2025-04-20.

Conditions:
Bardet-Biedl syndrome 12 (BBS12). Identifiers: Orphanet 110, MedGen C1859570, MONDO:0014440, OMIM 615989.
BBS12-related disorder. Also called: BBS12-related condition.

Submissions (2):

Natera, Inc.
Classification: Uncertain significance for Bardet-Biedl syndrome type 12. Last evaluated: 2025-04-20. Review status: no assertion criteria provided. Collection method: clinical testing. Allele origin: germline.

PreventionGenetics, part of Exact Sciences
Classification: Uncertain significance for BBS12-related condition. Last evaluated: 2024-04-22. Review status: no assertion criteria provided. Collection method: clinical testing. Allele origin: germline.
Comment: The BBS12 c.1565G>A variant is predicted to result in the amino acid substitution p.Cys522Tyr. To our knowledge, this variant has not been reported in the literature or in a large population database, indicating this variant is rare. At this time, the clinical significance of this variant is uncertain due to the absence of conclusive functional and genetic evidence.